The following is an entry in ClinVar:

ClinVar aggregate classification (germline): Benign/Likely benign. Review status: criteria provided, multiple submitters, no conflicts (2 of 4 stars). 9 submissions from 9 submitters: Benign (4); Likely benign (4). 1 of the submissions does not count toward it. Last evaluated 2026-02-02.

Conditions:
TMEM43-related disorder. Also called: TMEM43-related condition.
Cardiovascular phenotype. Identifiers: MedGen CN230736.
Cardiomyopathy (CMYO). Also called: Cardiomyopathies. Identifiers: Orphanet 167848, MedGen C0878544, MONDO:0004994, HP:0001638. Inheritance: Various modes of inheritance.
Arrhythmogenic right ventricular dysplasia 5. Also called: Arrhythmogenic Right Ventricular Dysplasia/Cardiomyopathy 5; ARRHYTHMOGENIC RIGHT VENTRICULAR DYSPLASIA, FAMILIAL, 5. Identifiers: MedGen C1858379, MONDO:0011459, OMIM 604400.

Allele frequency attached by ClinVar (database versions not stated): gnomAD 0.00002 and 0.00018; TOPMed 0.00002; gnomAD exomes 0.00039 and 0.00079; ExAC 0.00097; 1000 Genomes Project 30x 0.00141; 1000 Genomes Project 0.00180.
gnomAD v4.1: 590 of 1,614,034 alleles (0.037%); highest among the groups gnomAD compares: South Asian, 0.63%; 9 homozygotes.

Submissions (9):

Labcorp Genetics (formerly Invitae), Labcorp
Classification: Benign for Arrhythmogenic right ventricular dysplasia 5. Last evaluated: 2026-02-02. Review status: criteria provided, single submitter. Criteria: Invitae Variant Classification Sherloc (09022015). Collection method: clinical testing. Allele origin: germline.

Mayo Clinic Laboratories, Mayo Clinic
Classification: Benign. Last evaluated: 2025-04-09. Review status: criteria provided, single submitter. Criteria: ACMG Guidelines, 2015. Collection method: clinical testing. Allele origin: germline. Observed: 1 variant allele.
Comment: BS1, BS2, BP4

Blueprint Genetics
Classification: Likely benign. Last evaluated: 2024-11-13. Review status: criteria provided, single submitter. Criteria: ACMG Guidelines, 2015. Collection method: clinical testing. Allele origin: germline.

Women's Health and Genetics/Laboratory Corporation of America, LabCorp
Classification: Likely benign. Last evaluated: 2022-02-12. Review status: criteria provided, single submitter. Criteria: LabCorp Variant Classification Summary - May 2015. Collection method: clinical testing. Allele origin: germline.

Laboratory for Molecular Medicine, Mass General Brigham Personalized Medicine
Classification: Benign. Last evaluated: 2020-09-22. Review status: criteria provided, single submitter. Criteria: LMM Criteria. Collection method: clinical testing. Allele origin: germline. Observed: 2 variant alleles.
Comment: The p.Thr277Ser variant in TMEM43 is classified as benign because it has been identified in 0.6% (198/30616) of South Asian chromosomes, including 1 homozygote, by gnomAD. ACMG/AMP Criteria applied: BA1.

Ambry Genetics
Classification: Likely benign for Cardiovascular phenotype. Last evaluated: 2020-07-22. Review status: criteria provided, single submitter. Criteria: Ambry Variant Classification Scheme 2023. Collection method: clinical testing. Allele origin: germline.

Color Diagnostics, LLC DBA Color Health
Classification: Benign for Cardiomyopathy. Last evaluated: 2018-11-07. Review status: criteria provided, single submitter. Criteria: ACMG Guidelines, 2015. Collection method: clinical testing. Allele origin: germline.

GeneDx
Classification: Likely benign. Last evaluated: 2016-07-08. Review status: criteria provided, single submitter. Criteria: GeneDx Variant Classification (06012015). Collection method: clinical testing. Allele origin: germline. Affected: yes.
Comment: This variant is considered likely benign or benign based on one or more of the following criteria: it is a conservative change, it occurs at a poorly conserved position in the protein, it is predicted to be benign by multiple in silico algorithms, and/or has population frequency not consistent with disease.

PreventionGenetics, part of Exact Sciences
Classification: Benign for TMEM43-related condition. Last evaluated: 2019-07-23. Review status: no assertion criteria provided. Collection method: clinical testing. Allele origin: germline. Not counted in ClinVar's aggregate classification.
Comment: This variant is classified as benign based on ACMG/AMP sequence variant interpretation guidelines (Richards et al. 2015 PMID: 25741868, with internal and published modifications).

Literature cited by the submitters: PubMed 23812740 (cited by Mayo Clinic Laboratories, Mayo Clinic and Laboratory for Molecular Medicine, Mass General Brigham Personalized Medicine); PubMed 21636032 (cited by Laboratory for Molecular Medicine, Mass General Brigham Personalized Medicine).

NM_024334.3(TMEM43):c.829A>T (p.Thr277Ser)

Gene: TMEM43 (transmembrane protein 43; plus strand). Cytogenetic location: 3p25.1.
Variant type: single nucleotide variant.
Coding change: c.829A>T on transcript NM_024334.3 (MANE Select); coding-DNA position 829, A replaced by T.
Protein change: p.Thr277Ser; replaces threonine 277 with serine.
Molecular consequence: missense variant.
Genome position (GRCh38, 1-based): chr3:14,135,855, A>T. VCF-style: chr3-14135855-A-T. GRCh37 (hg19) VCF-style: chr3-14177355-A-T.
Other names: p.T277S:ACC>TCC; short protein forms T277S.
Identifiers: ClinVar variation 165456 (VCV000165456.26), dbSNP rs532872056, ClinGen allele CA024763.
Genomic context (GRCh38, chr3:14,135,855, plus strand): 5'-TCCTCTGACCAGGTCACTGTGATTGCCCGGCAGCGGGGTGACCAGCTAGTCCCATTCTCC[A>T]CCAAGTCTGGGGATACCTTACTGCTCCTGCACCACGGGGACTTCTCAGCAGAGGTGAGTG-3'
Protein context (NP_077310.1, residues 267-287): QRGDQLVPFS[Thr277Ser]KSGDTLLLLH